The following is an entry in ClinVar:

NM_000548.5(TSC2):c.2440G>T (p.Glu814Ter)

Gene: TSC2 (TSC complex subunit 2; plus strand). Cytogenetic location: 16p13.3.
Variant type: single nucleotide variant.
Coding change: c.2440G>T on transcript NM_000548.5 (MANE Select); coding-DNA position 2440, G replaced by T.
Protein change: p.Glu814Ter; replaces glutamic acid 814 with a stop codon.
Molecular consequence: nonsense.
Genome position (GRCh38, 1-based): chr16:2,074,284, G>T. VCF-style: chr16-2074284-G-T. GRCh37 (hg19) VCF-style: chr16-2124285-G-T.
Other names: c.2440G>T, p.Glu814Ter (NM_001077183.3, NM_001114382.3, NM_001363528.2 and 3 more transcripts); c.2329G>T, p.Glu777Ter (NM_001318827.2); c.2293G>T, p.Glu765Ter (NM_001318829.2); c.1840G>T, p.Glu614Ter (NM_001318831.2); c.2473G>T, p.Glu825Ter (NM_001318832.2); short protein forms E765*, E777*, E825*, E614*, E814*.
Identifiers: ClinVar variation 645592 (VCV000645592.7), dbSNP rs45485395, ClinGen allele CA394277390.
Genomic context (GRCh38, chr16:2,074,284, plus strand): 5'-CAGGGCCTCATCCACCGCTGTGCCAGCCAGTGCGTCGTGGCCTTGTCCATCTGCAGCGTG[G>T]AGATGCCTGACATCATCATCAAGGCGCTGCCTGTTCTGGTGGTGAAGCTCACGCACATCT-3'

ClinVar aggregate classification (germline): Pathogenic (1 of 4 stars; one submission).

Conditions:
Tuberous sclerosis 2 (TSC2). Identifiers: Orphanet 805, MedGen C1860707, MONDO:0013199, OMIM 613254.

Submission:

Labcorp Genetics (formerly Invitae), Labcorp
Classification: Pathogenic for Tuberous sclerosis 2. Last evaluated: 2018-11-06. Review status: criteria provided, single submitter. Criteria: Invitae Variant Classification Sherloc (09022015). Collection method: clinical testing. Allele origin: germline.
Comment: Loss-of-function variants in TSC2 are known to be pathogenic (PMID: 10205261, 17304050). For these reasons, this variant has been classified as Pathogenic. This variant has not been reported in the literature in individuals with TSC2-related disease. This sequence change creates a premature translational stop signal (p.Glu814*) in the TSC2 gene. It is expected to result in an absent or disrupted protein product. This variant is not present in population databases (ExAC no frequency).

Literature cited by the submitters: PubMed 10205261; PubMed 17304050.